The following is an entry in ClinVar:

ClinVar aggregate classification (germline): Uncertain significance (1 of 4 stars; one submission).

Conditions:
Charcot-Marie-Tooth disease type 4B2. Also called: CMT 4B2; Charcot-Marie-Tooth Neuropathy Type 4B2; CHARCOT-MARIE-TOOTH DISEASE, WITH FOCALLY FOLDED MYELIN SHEATHS, AUTOSOMAL RECESSIVE, TYPE 4B2; CHARCOT-MARIE-TOOTH DISEASE, DEMYELINATING, TYPE 4B2. Identifiers: Orphanet 99956, MedGen C1858278, MONDO:0011475, OMIM 604563.

gnomAD v4.1: 8 of 1,611,128 alleles (0.0005%); highest among the groups gnomAD compares: Admixed American, 0.013%; no homozygotes.

Submission:

3billion
Classification: Uncertain significance for Charcot-Marie-Tooth disease type 4B2. Last evaluated: 2023-07-28. Review status: criteria provided, single submitter. Criteria: ACMG Guidelines, 2015. Collection method: clinical testing. Allele origin: germline. Affected: yes.
Comment: The variant is observed at an extremely low frequency in the gnomAD v2.1.1 dataset (total allele frequency: 0.001%). Predicted Consequence/Location: Synonymous variant In silico tools predict the variant to alter splicing and produce an abnormal transcript (SpliceAI: 0.97). Therefore, this variant is classified as VUS according to the recommendation of ACMG/AMP guideline.

NM_030962.4(SBF2):c.1860G>A (p.Gln620=)

Gene: SBF2 (SET binding factor 2; minus strand). Cytogenetic location: 11p15.4.
Variant type: single nucleotide variant.
Coding change: c.1860G>A on transcript NM_030962.4 (MANE Select); coding-DNA position 1860, G replaced by A.
Protein change: p.Gln620=; no amino-acid change (glutamine 620 retained).
Molecular consequence: synonymous variant.
Genome position (GRCh38, 1-based): chr11:9,961,957, C>T on the plus strand (G>A on the coding strand, the complement: SBF2 is on the minus strand). VCF-style: chr11-9961957-C-T. GRCh37 (hg19) VCF-style: chr11-9983504-C-T.
Other names: c.1860G>A, p.Gln620= (NM_001386339.1); c.1731G>A, p.Gln577= (NM_001386342.1); c.1896G>A, p.Gln632= (NM_001424318.1, NM_001425069.1, NM_001425070.1).
Identifiers: ClinVar variation 3775724 (VCV003775724.1).